The following is an entry in ClinVar:

NM_013275.6(ANKRD11):c.7527G>C (p.Glu2509Asp)

Gene: ANKRD11 (ankyrin repeat domain 11; minus strand). Cytogenetic location: 16q24.3.
Variant type: single nucleotide variant.
Coding change: c.7527G>C on transcript NM_013275.6 (MANE Select); coding-DNA position 7527, G replaced by C.
Protein change: p.Glu2509Asp; replaces glutamic acid 2509 with aspartic acid.
Molecular consequence: missense variant.
Genome position (GRCh38, 1-based): chr16:89,275,135, C>G on the plus strand (G>C on the coding strand, the complement: ANKRD11 is on the minus strand). VCF-style: chr16-89275135-C-G. GRCh37 (hg19) VCF-style: chr16-89341543-C-G.
Other names: c.7527G>C, p.Glu2509Asp (NM_001256182.2, NM_001256183.2); short protein forms E2509D.
Identifiers: ClinVar variation 1714581 (VCV001714581.5), dbSNP rs1320107404, ClinGen allele CA397147861.

ClinVar aggregate classification (germline): Uncertain significance (1 of 4 stars; one submission).

Conditions:
KBG syndrome (KBGS). Also called: ANKRD11-Related KBG Syndrome. Identifiers: Orphanet 2332, MedGen C0220687, MONDO:0007846, OMIM 148050.

gnomAD v4.1: 5 of 1,612,192 alleles (0.00031%); highest among the groups gnomAD compares: Non-Finnish European, 0.00042%; no homozygotes.

Submission:

Labcorp Genetics (formerly Invitae), Labcorp
Classification: Uncertain significance for KBG syndrome. Last evaluated: 2024-11-11. Review status: criteria provided, single submitter. Criteria: Invitae Variant Classification Sherloc (09022015). Collection method: clinical testing. Allele origin: germline.
Comment: This sequence change replaces glutamic acid, which is acidic and polar, with aspartic acid, which is acidic and polar, at codon 2509 of the ANKRD11 protein (p.Glu2509Asp). This variant is not present in population databases (gnomAD no frequency). This variant has not been reported in the literature in individuals affected with ANKRD11-related conditions. ClinVar contains an entry for this variant (Variation ID: 1714581). Invitae Evidence Modeling of protein sequence and biophysical properties (such as structural, functional, and spatial information, amino acid conservation, physicochemical variation, residue mobility, and thermodynamic stability) has been performed for this missense variant. However, the output from this modeling did not meet the statistical confidence thresholds required to predict the impact of this variant on ANKRD11 protein function. In summary, the available evidence is currently insufficient to determine the role of this variant in disease. Therefore, it has been classified as a Variant of Uncertain Significance.